The following is an entry in ClinVar:

ClinVar aggregate classification (germline): Likely benign. Review status: criteria provided, multiple submitters, no conflicts (2 of 4 stars). 2 submissions from 2 submitters: Likely benign (2). Last evaluated 2025-03-10.

Allele frequency attached by ClinVar (database versions not stated): TOPMed 0.00001; gnomAD 0.00002; gnomAD exomes 0.00002 and 0.00005; ExAC 0.00007; 1000 Genomes Project 30x 0.00016; 1000 Genomes Project 0.00020.
gnomAD v4.1: 30 of 1,613,682 alleles (0.0019%); highest among the groups gnomAD compares: South Asian, 0.027%; no homozygotes.

Submissions (2):

Labcorp Genetics (formerly Invitae), Labcorp
Classification: Likely benign. Last evaluated: 2025-03-10. Review status: criteria provided, single submitter. Criteria: Invitae Variant Classification Sherloc (09022015). Collection method: clinical testing. Allele origin: germline.

GeneDx
Classification: Likely benign. Last evaluated: 2016-11-22. Review status: criteria provided, single submitter. Criteria: GeneDx Variant Classification (06012015). Collection method: clinical testing. Allele origin: germline. Affected: yes.
Comment: This variant is considered likely benign or benign based on one or more of the following criteria: it is a conservative change, it occurs at a poorly conserved position in the protein, it is predicted to be benign by multiple in silico algorithms, and/or has population frequency not consistent with disease.

NM_004614.5(TK2):c.125-10T>C

Gene: TK2 (thymidine kinase 2; minus strand). Cytogenetic location: 16q21.
Variant type: single nucleotide variant.
Coding change: c.125-10T>C on transcript NM_004614.5 (MANE Select); 10 bases into the intron before coding-DNA position 125, T replaced by C.
Molecular consequence: intron variant. On other transcripts: non-coding transcript variant (1).
Genome position (GRCh38, 1-based): chr16:66,549,019, A>G on the plus strand (T>C on the coding strand, the complement: TK2 is on the minus strand). VCF-style: chr16-66549019-A-G. GRCh37 (hg19) VCF-style: chr16-66582922-A-G.
Other names: c.32-10T>C (NM_001271935.1, NM_001172643.1); c.125-10T>C (NM_001172644.2, NM_001172645.2); c.-118-10T>C (NM_001271934.2); c.-167-10T>C (NM_001272050.2).
Identifiers: ClinVar variation 390892 (VCV000390892.9), dbSNP rs569250873, ClinGen allele CA8093820.